The following is an entry in ClinVar:

NM_000540.3(RYR1):c.7788C>T (p.Thr2596=)

Gene: RYR1 (ryanodine receptor 1; plus strand). Cytogenetic location: 19q13.2.
Variant type: single nucleotide variant.
Coding change: c.7788C>T on transcript NM_000540.3 (MANE Select); coding-DNA position 7788, C replaced by T.
Protein change: p.Thr2596=; no amino-acid change (threonine 2596 retained).
Molecular consequence: synonymous variant.
Genome position (GRCh38, 1-based): chr19:38,502,680, C>T. VCF-style: chr19-38502680-C-T. GRCh37 (hg19) VCF-style: chr19-38993320-C-T.
Other names: c.7788C>T, p.Thr2596= (NM_001042723.2).
Identifiers: ClinVar variation 329067 (VCV000329067.45), dbSNP rs199636890, ClinGen allele CA070258.

ClinVar aggregate classification (germline): Benign/Likely benign. Review status: criteria provided, multiple submitters, no conflicts (2 of 4 stars). 10 submissions from 9 submitters: Benign (5); Likely benign (4). 1 of the submissions does not count toward it. Last evaluated 2026-01-28.

Conditions:
RYR1-related disorder. Also called: RYR1-related condition; RYR1-related disorders. Identifiers: MedGen CN239331.
Congenital multicore myopathy with external ophthalmoplegia (CMYO1B). Also called: Minicore myopathy with external ophthalmoplegia; MULTIMINICORE DISEASE WITH EXTERNAL OPHTHALMOPLEGIA; Congenital myopathy 1B, autosomal recessive; Minicore myopathy; MULTICORE MYOPATHY. Identifiers: Orphanet 598, Orphanet 98905, MedGen C1850674, MONDO:0009712, OMIM 255320, HP:0003789.
Malignant hyperthermia, susceptibility to, 1 (MHS1). Also called: Malignant hyperthermia suceptibility 1; RYR1-Related Malignant Hyperthermia Susceptibility; Anesthesia related hyperthermia; Malignant hyperpyrexia; Fulminating hyperpyrexia; Pharmacogenic myopathy. Identifiers: Orphanet 423, MedGen C2930980, MONDO:0007783, OMIM 145600.

Allele frequency attached by ClinVar (database versions not stated): gnomAD exomes 0.00024 and 0.00100; gnomAD 0.00032 and 0.00039; ExAC 0.00099; TOPMed 0.00101; 1000 Genomes Project 30x 0.00156; 1000 Genomes Project 0.00160.
gnomAD v4.1: 409 of 1,608,666 alleles (0.025%); highest among the groups gnomAD compares: East Asian, 0.85%; 3 homozygotes.

Submissions (10):

Labcorp Genetics (formerly Invitae), Labcorp
Classification: Benign for RYR1-related disorder. Last evaluated: 2026-01-28. Review status: criteria provided, single submitter. Criteria: Invitae Variant Classification Sherloc (09022015). Collection method: clinical testing. Allele origin: germline.

Blueprint Genetics
Classification: Likely benign. Last evaluated: 2024-11-05. Review status: criteria provided, single submitter. Criteria: ACMG Guidelines, 2015. Collection method: clinical testing. Allele origin: germline.

Athena Diagnostics
Classification: Benign. Last evaluated: 2024-07-17. Review status: criteria provided, single submitter. Criteria: Athena Diagnostics Criteria. Collection method: clinical testing. Allele origin: unknown.

CeGaT Center for Human Genetics Tuebingen
Classification: Likely benign. Last evaluated: 2024-04-01. Review status: criteria provided, single submitter. Criteria: CeGaT Center For Human Genetics Tuebingen Variant Classification Criteria Version 2. Collection method: clinical testing. Allele origin: germline. Affected: yes. Observed: 1 variant allele.
Comment: RYR1: BP4, BP7, BS1

Color Diagnostics, LLC DBA Color Health
Classification: Benign for Malignant hyperthermia, susceptibility to, 1. Last evaluated: 2022-11-06. Review status: criteria provided, single submitter. Criteria: ACMG Guidelines, 2015. Collection method: clinical testing. Allele origin: germline.

GeneDx
Classification: Likely benign. Last evaluated: 2021-11-02. Review status: criteria provided, single submitter. Criteria: GeneDx Variant Classification Process June 2021. Collection method: clinical testing. Allele origin: germline. Affected: yes.

Illumina Laboratory Services, Illumina
Classification: Benign for Malignant hyperthermia, susceptibility to, 1. Last evaluated: 2018-01-13. Review status: criteria provided, single submitter. Criteria: ICSL Variant Classification Criteria 13 December 2019. Collection method: clinical testing. Allele origin: germline.
Comment: This variant was observed in the ICSL laboratory as part of a predisposition screen in an ostensibly healthy population. It had not been previously curated by ICSL or reported in the Human Gene Mutation Database (HGMD: prior to June 1st, 2018), and was therefore a candidate for classification through an automated scoring system. Utilizing variant allele frequency, disease prevalence and penetrance estimates, and inheritance mode, an automated score was calculated to assess if this variant is too frequent to cause the disease. Based on the score and internal cut-off values, a variant classified as benign is not then subjected to further curation. The score for this variant resulted in a classification of benign for this disease.

Illumina Laboratory Services, Illumina
Classification: Benign for Congenital multicore myopathy with external ophthalmoplegia. Last evaluated: 2018-01-13. Review status: criteria provided, single submitter. Criteria: ICSL Variant Classification Criteria 13 December 2019. Collection method: clinical testing. Allele origin: germline.
Comment: the same text as in the submission from Illumina Laboratory Services, Illumina above.

Breakthrough Genomics
Classification: Likely benign. Review status: criteria provided, single submitter. Criteria: ACMG Guidelines, 2015. Collection method: not provided. Allele origin: germline. Inheritance: Autosomal recessive inheritance. Affected: yes.

PreventionGenetics, part of Exact Sciences
Classification: Benign for RYR1-related condition. Last evaluated: 2019-06-03. Review status: no assertion criteria provided. Collection method: clinical testing. Allele origin: germline. Not counted in ClinVar's aggregate classification.
Comment: This variant is classified as benign based on ACMG/AMP sequence variant interpretation guidelines (Richards et al. 2015 PMID: 25741868, with internal and published modifications).